The following is an entry in ClinVar:

NM_006005.3(WFS1):c.342C>T (p.Ala114=)

Gene: WFS1 (wolframin ER transmembrane glycoprotein; plus strand). Cytogenetic location: 4p16.1.
Variant type: single nucleotide variant.
Coding change: c.342C>T on transcript NM_006005.3 (MANE Select); coding-DNA position 342, C replaced by T.
Protein change: p.Ala114=; no amino-acid change (alanine 114 retained).
Molecular consequence: synonymous variant.
Genome position (GRCh38, 1-based): chr4:6,289,013, C>T. VCF-style: chr4-6289013-C-T. GRCh37 (hg19) VCF-style: chr4-6290740-C-T.
Other names: c.342C>T, p.Ala114= (NM_001145853.1).
Identifiers: ClinVar variation 392143 (VCV000392143.26), dbSNP rs201151892, ClinGen allele CA2838867.
Genomic context (GRCh38, chr4:6,289,013, plus strand): 5'-AGAATCTGGAGGCTGACTGGTGTCTGGCTTGCAGGTGGGGAAGCACTACCTGCAGTTGGC[C>T]GGCGACACGGATGAAGAACTCAACAGCTGCACCGCTGTGGACTGGCTGGTCCTCGCCGCG-3'
Protein context (NP_005996.2, residues 104-124): TEVGKHYLQL[Ala114=]GDTDEELNSC

ClinVar aggregate classification (germline): Benign/Likely benign. Review status: criteria provided, multiple submitters, no conflicts (2 of 4 stars). 9 submissions from 9 submitters: Benign (3); Likely benign (5). 1 of the submissions does not count toward it. Last evaluated 2026-10-01.

Conditions:
WFS1-related disorder. Identifiers: MedGen CN379391, MONDO:0700293.
Wolfram syndrome 1 (WFS1). Identifiers: Orphanet 3463, MedGen C4551693, MONDO:0009101, OMIM 222300.
Wolfram-like syndrome. Also called: HEARING LOSS, PROGRESSIVE, WITH OPTIC ATROPHY AND/OR IMPAIRED GLUCOSE REGULATION. Identifiers: Orphanet 411590, MedGen C3280358, MONDO:0013673, OMIM 614296.
Cataract 41 (CTRCT41). Also called: CATARACT 41, CONGENITAL NUCLEAR TYPE. Identifiers: Orphanet 91492, Orphanet 98991, Orphanet 98992, Orphanet 98995, MedGen C3805412, MONDO:0007287, OMIM 116400.
Type 2 diabetes mellitus. Also called: Type II diabetes mellitus. Identifiers: MedGen C0011860, MeSH D003924, MONDO:0005148, OMIM 125853, HP:0005978.
Autosomal dominant nonsyndromic hearing loss 6 (LFSNHL). Also called: Autosomal dominant nonsyndromic deafness 6; DEAFNESS, AUTOSOMAL DOMINANT 14; DEAFNESS, AUTOSOMAL DOMINANT 38; DEAFNESS, AUTOSOMAL DOMINANT 6. Identifiers: Orphanet 90635, MedGen C1833021, MONDO:0010963, OMIM 600965.

Allele frequency attached by ClinVar (database versions not stated): ExAC 0.00045; gnomAD exomes 0.00046 and 0.00009; gnomAD 0.00007; 1000 Genomes Project 30x 0.00016; 1000 Genomes Project 0.00020; TOPMed 0.00029.

Submissions (9):

CeGaT Center for Human Genetics Tuebingen
Classification: Likely benign. Last evaluated: 2026-10-01. Review status: criteria provided, single submitter. Criteria: CeGaT Center For Human Genetics Tuebingen Variant Classification Criteria Version 2. Collection method: clinical testing. Allele origin: germline. Affected: yes. Observed: 1 variant allele.
Comment: WFS1: BP4, BP7

Labcorp Genetics (formerly Invitae), Labcorp
Classification: Benign. Last evaluated: 2026-01-26. Review status: criteria provided, single submitter. Criteria: Invitae Variant Classification Sherloc (09022015). Collection method: clinical testing. Allele origin: germline.

Blueprint Genetics
Classification: Likely benign. Last evaluated: 2022-07-28. Review status: criteria provided, single submitter. Criteria: ACMG Guidelines, 2015. Collection method: clinical testing. Allele origin: germline.

Fulgent Genetics
Classification: Likely benign for Cataract 41; Type 2 diabetes mellitus; Wolfram syndrome 1; Autosomal dominant nonsyndromic hearing loss 6; Wolfram-like syndrome. Last evaluated: 2021-12-29. Review status: criteria provided, single submitter. Criteria: ACMG Guidelines, 2015. Collection method: clinical testing. Allele origin: unknown.

GeneDx
Classification: Likely benign. Last evaluated: 2021-05-08. Review status: criteria provided, single submitter. Criteria: GeneDx Variant Classification Process June 2021. Collection method: clinical testing. Allele origin: germline. Affected: yes.

Genetic Services Laboratory, University of Chicago
Classification: Likely benign. Last evaluated: 2019-07-10. Review status: criteria provided, single submitter. Criteria: ACMG Guidelines, 2015. Collection method: clinical testing. Allele origin: germline. Affected: no.

Laboratory for Molecular Medicine, Mass General Brigham Personalized Medicine
Classification: Benign. Last evaluated: 2016-05-23. Review status: criteria provided, single submitter. Criteria: LMM Criteria. Collection method: clinical testing. Allele origin: germline. Observed: 2 variant alleles.
Comment: p.Ala114Ala in exon 4 of WFS1: This variant is not expected to have clinical sig nificance because it does not alter an amino acid residue, it is not located wit hin the splice consensus sequence, and it has been identified in 0.5% (34/6800) of Latino chromosomes by the Exome Aggregation Consortium (ExAC; dbSNP rs201151892).

Clinical Genomics, Uppaluri K&H Personalized Medicine Clinic
Classification: Benign for Wolfram syndrome 1. Review status: criteria provided, single submitter. Criteria: K & H Uppaluri Personalized Medicine Clinic Variant Classification & Assertion Criteria_Updated V.1. Collection method: research. Allele origin: unknown. Inheritance: Autosomal recessive inheritance.
Comment: Potent mutations in WFS1 gene are associated with Wolfram's syndrome, an autosomal recessive condition, which cause diabetes mellitus, diabetes insipidus, deafness and optic atrophy. However no sufficient evidence is found to ascertain the role of this particular variant rs201151892 in Wolfram's syndrome yet.

PreventionGenetics, part of Exact Sciences
Classification: Likely benign for WFS1-related condition. Last evaluated: 2020-02-05. Review status: no assertion criteria provided. Collection method: clinical testing. Allele origin: germline. Not counted in ClinVar's aggregate classification.
Comment: This variant is classified as likely benign based on ACMG/AMP sequence variant interpretation guidelines (Richards et al. 2015 PMID: 25741868, with internal and published modifications).

Literature cited by the submitters: PubMed 20738327 (cited by Clinical Genomics, Uppaluri K&H Personalized Medicine Clinic); PubMed 33879153 (cited by Clinical Genomics, Uppaluri K&H Personalized Medicine Clinic); PubMed 12955714 (cited by Clinical Genomics, Uppaluri K&H Personalized Medicine Clinic); PubMed 18060660 (cited by Clinical Genomics, Uppaluri K&H Personalized Medicine Clinic); PubMed 20301750 (cited by Clinical Genomics, Uppaluri K&H Personalized Medicine Clinic); PubMed 17603484 (cited by Clinical Genomics, Uppaluri K&H Personalized Medicine Clinic).